The following is an entry in ClinVar:

NM_178452.6(DNAAF1):c.1347_1502dup (p.Pro452_Pro503dup)

Gene: DNAAF1 (dynein axonemal assembly factor 1; plus strand). Cytogenetic location: 16q24.1.
Variant type: Duplication.
Coding change: c.1347_1502dup on transcript NM_178452.6 (MANE Select); coding-DNA positions 1347 to 1502, 156 bases duplicated.
Protein change: p.Pro452_Pro503dup.
Molecular consequence: inframe insertion.
Genome position (GRCh38, 1-based): chr16:84,170,175-84,170,330, 156 bases duplicated. GRCh37 (hg19): chr16:84,203,781-84,203,936.
Other names: c.639_794dup, p.Pro216_Pro267dup (NM_001318756.1).
Identifiers: ClinVar variation 1019849 (VCV001019849.3), dbSNP rs2088249327, ClinGen allele CA2238468057.

ClinVar aggregate classification (germline): Uncertain significance (1 of 4 stars; one submission).

Conditions:
Primary ciliary dyskinesia. Also called: Ciliary dyskinesia. Identifiers: Orphanet 244, MedGen C0008780, MONDO:0016575, HP:0012265.

Submission:

Labcorp Genetics (formerly Invitae), Labcorp
Classification: Uncertain significance for Primary ciliary dyskinesia. Last evaluated: 2015-04-09. Review status: criteria provided, single submitter. Criteria: Invitae Variant Classification Sherloc (09022015). Collection method: clinical testing. Allele origin: germline.
Comment: In summary, this is a novel in-frame insertion with uncertain impact on protein function. It has been classified as a Variant of Uncertain Significance. The effect of a large in-frame insertion in exon 8 of the DNAAF1 gene is unknown and experimental studies have not been done to assess the impact of this particular insertion on splicing or protein function. This variant has not been published in the literature and is not present in population databases. This sequence change inserts 156 nucleotides in exon 8 of the DNAAF1 mRNA (c.1306_1307ins156). This leads to the insertion of 52 amino acid residues in the DNAAF1 protein (p.Gly436_Glu437ins52) but otherwise preserves the integrity of the reading frame.